The following is an entry in ClinVar:

ClinVar aggregate classification (germline): Conflicting classifications of pathogenicity. Review status: criteria provided, conflicting classifications (1 of 4 stars). 3 submissions from 3 submitters: Uncertain significance (1); Likely benign (1). 1 of the submissions does not count toward it. Last evaluated 2025-12-29.

Conditions:
PIEZO1-related disorder. Also called: PIEZO1-related condition; PIEZO1-Related Disorders.

Submissions (3):

Labcorp Genetics (formerly Invitae), Labcorp
Classification: Uncertain significance. Last evaluated: 2025-12-29. Review status: criteria provided, single submitter. Criteria: Invitae Variant Classification Sherloc (09022015). Collection method: clinical testing. Allele origin: germline.
Comment: This variant, c.2265_2270dup, results in the insertion of 2 amino acid(s) of the PIEZO1 protein (p.Glu755_Glu756dup), but otherwise preserves the integrity of the reading frame. The frequency data for this variant in the population databases is considered unreliable, as metrics indicate poor data quality at this position in the gnomAD database. This variant has not been reported in the literature in individuals affected with PIEZO1-related conditions. In summary, the available evidence is currently insufficient to determine the role of this variant in disease. Therefore, it has been classified as a Variant of Uncertain Significance.

Blueprint Genetics
Classification: Likely benign. Last evaluated: 2024-11-20. Review status: criteria provided, single submitter. Criteria: ACMG Guidelines, 2015. Collection method: clinical testing. Allele origin: germline.

PreventionGenetics, part of Exact Sciences
Classification: Likely benign for PIEZO1-related condition. Last evaluated: 2023-09-19. Review status: no assertion criteria provided. Collection method: clinical testing. Allele origin: germline. Not counted in ClinVar's aggregate classification.
Comment: This variant is classified as likely benign based on ACMG/AMP sequence variant interpretation guidelines (Richards et al. 2015 PMID: 25741868, with internal and published modifications).

NM_001142864.4(PIEZO1):c.2247GGA[10] (p.Glu756_Asp757insGluGlu)

Genes: HSALR1 (HSP90AB1 associated lncRNA 1; plus strand), PIEZO1 (piezo type mechanosensitive ion channel component 1 (Er blood group); minus strand). Cytogenetic location: 16q24.3.
Variant type: Microsatellite.
Coding change: c.2247GGA[10] on transcript NM_001142864.4 (MANE Select); ten copies in a row of the 3-base unit GGA starting at c.2247; the reference has eight copies in a row; two copies, 6 bases duplicated.
Protein change: p.Glu756_Asp757insGluGlu.
Molecular consequence: inframe insertion. On other transcripts: frameshift variant (1).
Genome position (GRCh38, 1-based): chr16:88,733,965-88,733,970, TCCTCC duplicated on the plus strand (GGAGGA on the coding strand, the reverse complement: PIEZO1 is on the minus strand); duplicating any 6 consecutive bases within chr16:88,733,965-88,733,989 gives the same sequence; the position shown is the placement nearest the transcript's 3' end. VCF-style (leftmost placement, unchanged base first): chr16-88733964-G-GTCCTCC. GRCh37 (hg19) VCF-style: chr16-88800372-G-GTCCTCC.
Other names: c.2265_2270dup6 (NM_001142864.3); c.791_(793_?)AGG[10], p.Asp271_Asp(271_?)Glufs (NM_014745.1).
Identifiers: ClinVar variation 2711803 (VCV002711803.6), dbSNP rs59446030, ClinGen allele CA8232822.